The following is an entry in ClinVar:

ClinVar aggregate classification (germline): Pathogenic. Review status: reviewed by expert panel (3 of 4 stars). 14 submissions from 14 submitters: Pathogenic (1). 13 of the submissions do not count toward it. Last evaluated 2024-01-23.

Conditions:
DCLRE1C-related disorder. Also called: DCLRE1C-related condition.
Histiocytic medullary reticulosis. Also called: Omenn syndrome; SEVERE COMBINED IMMUNODEFICIENCY WITH HYPEREOSINOPHILIA. Identifiers: Orphanet 39041, MedGen C2700553, MONDO:0011338, OMIM 603554.
Severe combined immunodeficiency due to DCLRE1C deficiency (RS-SCID). Also called: SCID, AUTOSOMAL RECESSIVE, T CELL-NEGATIVE, B CELL-NEGATIVE, NK CELL-POSITIVE, WITH SENSITIVITY TO IONIZING RADIATION. Identifiers: Orphanet 275, MedGen C1865371, MONDO:0011225, OMIM 602450.
Severe combined immunodeficiency disease. Also called: Severe Combined Immune Deficiency; Severe combined immunodeficiency. Identifiers: Orphanet 183660, MedGen C0085110, MeSH D016511, MONDO:0015974, HP:0004430. Inheritance: X-Linked or Autosomal recessive.
Athabaskan severe combined immunodeficiency (SCIDA). Also called: Severe combined immunodeficiency, athabascan-type. Identifiers: MedGen C1865370.

Allele frequency attached by ClinVar (database versions not stated): gnomAD exomes 0.00001; gnomAD 0.00003 and 0.00004; TOPMed 0.00007.
gnomAD v4.1: 44 of 1,609,762 alleles (0.0027%); highest among the groups gnomAD compares: Admixed American, 0.0067%; no homozygotes.

Submissions (14):

ClinGen Severe Combined Immunodeficiency Variant Curation Expert Panel, ClinGen
Classification: Pathogenic for Severe combined immunodeficiency due to DCLRE1C deficiency. Last evaluated: 2024-01-23. Review status: reviewed by expert panel. Criteria: ClinGen SCID ACMG Specifications DCLRE1C V1.0.0. Collection method: curation. Allele origin: germline. Inheritance: Autosomal recessive inheritance.
Comment: The NM_001033855.3:c.241C>T (p.Arg81Ter) variant in DCLRE1C is a nonsense variant predicted to cause a premature stop codon in biologically relevant exon, 3/14, which is predicted to lead to nonsense-mediated decay in a gene in which loss-of-function is an established disease mechanism (PVS1). The filtering allele frequency (the upper threshold of the 95% CI of 38/1177816 alleles) of the c.241C>T variant in DCLRE1C is 0.00002205 for European (non-Finnish) chromosomes by gnomAD v4, which is lower than the ClinGen SCID VCEP threshold (<0.00003266) for PM2_Supporting, and therefore meets this criterion (PM2_Supporting). Activity levels in % of WT activity = Recombination: Mean (SD): 19.48 (1.56) and DNA repair (36h after IR): Mean (SD): 16.05 (4.77). Both values are lower than our established threshold for abnormal results (defined as <25% of wild-type activity). Thus, PS3 is Met at a moderate level. (PMID: 25917813). At least one patient with this variant displayed Diagnostic criteria for SCID/Leaky SCID/Omenn syndrome 0.5pts + T-B-NK+ lymphocyte subset profile 0.5pts; the total is 1 point, which is highly specific for SCID (PP4_Supporting, PMID: 11336668). The proband (P2) is homozygous (Table 1) for this variant (0.5pt; PM3_Supporting). In summary, this variant meets the criteria to be classified as Pathogenic for autosomal recessive severe combined immunodeficiency due to DCLRE1C deficiency based on the ACMG/AMP criteria applied, as specified by the ClinGen SCID VCEP: PVS1, PM2_Supporting, PM3_Supporting, PS3_Moderate, and PP4_Supporting (VCEP specifications version 1).

Labcorp Genetics (formerly Invitae), Labcorp
Classification: Pathogenic for Athabaskan severe combined immunodeficiency. Last evaluated: 2025-08-11. Review status: criteria provided, single submitter. Criteria: Invitae Variant Classification Sherloc (09022015). Collection method: clinical testing. Allele origin: germline. Not counted in ClinVar's aggregate classification.
Comment: This sequence change creates a premature translational stop signal (p.Arg81*) in the DCLRE1C gene. It is expected to result in an absent or disrupted protein product. Loss-of-function variants in DCLRE1C are known to be pathogenic (PMID: 21664875, 26123418). This variant is present in population databases (rs121908156, gnomAD 0.006%). This premature translational stop signal has been observed in individuals with severe combined immune deficiency (PMID: 11336668, 25917813). This variant is also known as R74X. ClinVar contains an entry for this variant (Variation ID: 4665). For these reasons, this variant has been classified as Pathogenic.

Greenwood Genetic Center Diagnostic Laboratories, Greenwood Genetic Center
Classification: Pathogenic for DCLRE1C-related disorder. Last evaluated: 2024-12-20. Review status: criteria provided, single submitter. Criteria: ACMG Guidelines, 2015. Collection method: clinical testing. Allele origin: germline. Affected: yes. Not counted in ClinVar's aggregate classification.
Comment: PVS1, PS3_Moderate, PS3_Supporting, PM2_Supporting, PP4

Natera, Inc.
Classification: Pathogenic for Athabascan severe combined immunodeficiency. Last evaluated: 2024-09-16. Review status: criteria provided, single submitter. Criteria: Natera Variant Classification Schema (03/2026). Collection method: clinical testing. Allele origin: germline. Not counted in ClinVar's aggregate classification.
Comment: The c.241C>T variant in DCLRE1C is a nonsense variant predicted to introduce a stop codon at amino acid 81. This variant is expected to result in nonsense mediated decay, truncation, or a dysfunctional protein product. This variant is rare in the general population with a frequency below the threshold expected for the associated phenotype(s). This variant has been observed in one or more individuals affected with the associated recessive disease, as either homozygous or compound heterozygous with a second variant (PMID: 35503492). Additionally, this variant has been observed to segregate in affected family members (PMID: 35503492). Given the available evidence, this variant is classified as Pathogenic.

Revvity Omics, Revvity
Classification: Pathogenic. Last evaluated: 2024-05-30. Review status: criteria provided, single submitter. Criteria: ACMG Guidelines, 2015. Collection method: clinical testing. Allele origin: germline. Not counted in ClinVar's aggregate classification.

Baylor Genetics
Classification: Pathogenic for Histiocytic medullary reticulosis. Last evaluated: 2024-03-28. Review status: criteria provided, single submitter. Criteria: ACMG Guidelines, 2015. Collection method: clinical testing. Allele origin: unknown. Not counted in ClinVar's aggregate classification.

Women's Health and Genetics/Laboratory Corporation of America, LabCorp
Classification: Pathogenic for Severe combined immunodeficiency disease. Last evaluated: 2023-12-07. Review status: criteria provided, single submitter. Criteria: LabCorp Variant Classification Summary - May 2015. Collection method: clinical testing. Allele origin: germline. Not counted in ClinVar's aggregate classification.
Comment: Variant summary: DCLRE1C c.241C>T (p.Arg81X) results in a premature termination codon, predicted to cause a truncation of the encoded protein or absence of the protein due to nonsense mediated decay, which are commonly known mechanisms for disease. The variant allele was found at a frequency of 1.2e-05 in 250582 control chromosomes (gnomAD). c.241C>T has been reported in the literature in individuals affected with Severe Combined Immunodeficiency (example: Moshous_2001). These data indicate that the variant is likely to be associated with disease. At least one publication reports experimental evidence that this variant impairs normal protein activity (Moshous_2001). The following publications have been ascertained in the context of this evaluation (PMID: 11336668, 12727634). Four submitters have cited clinical-significance assessments for this variant to ClinVar after 2014. All submitters classified the variant as pathogenic. Based on the evidence outlined above, the variant was classified as pathogenic.

Genomic Medicine Lab, University of California San Francisco
Classification: Pathogenic for Severe combined immunodeficiency due to DCLRE1C deficiency. Last evaluated: 2023-06-16. Review status: criteria provided, single submitter. Criteria: ACMG Guidelines, 2015. Collection method: clinical testing. Allele origin: biparental. Affected: yes. Not counted in ClinVar's aggregate classification.

Blueprint Genetics
Classification: Pathogenic for DCLRE1C-related disorders. Last evaluated: 2023-06-09. Review status: criteria provided, single submitter. Criteria: ACMG Guidelines, 2015. Collection method: clinical testing. Allele origin: germline. Affected: yes. Observed: 4 variant alleles. Not counted in ClinVar's aggregate classification.

GeneDx
Classification: Pathogenic. Last evaluated: 2023-02-02. Review status: criteria provided, single submitter. Criteria: GeneDx Variant Classification Process June 2021. Collection method: clinical testing. Allele origin: germline. Affected: yes. Not counted in ClinVar's aggregate classification.
Comment: Nonsense variant predicted to result in protein truncation or nonsense mediated decay in a gene for which loss-of-function is a known mechanism of disease; Published functional studies demonstrate a damaging effect, including significantly reduced protein activity (Felgentreff et al., 2015); This variant is associated with the following publications: (PMID: 30947698, 25525159, 31589614, 25917813, 11336668, 30625039, 35503492)

Fulgent Genetics
Classification: Pathogenic for Severe combined immunodeficiency due to DCLRE1C deficiency; Histiocytic medullary reticulosis. Last evaluated: 2018-10-31. Review status: criteria provided, single submitter. Criteria: ACMG Guidelines, 2015. Collection method: clinical testing. Allele origin: unknown. Not counted in ClinVar's aggregate classification.

Center for Pediatric Genomic Medicine, Children's Mercy Hospital and Clinics
Classification: Pathogenic. Last evaluated: 2014-10-02. Review status: criteria provided, single submitter. Criteria: ACMG Guidelines, 2015. Collection method: clinical testing. Allele origin: germline. Not counted in ClinVar's aggregate classification.

Juno Genomics, Hangzhou Juno Genomics, Inc
Classification: Pathogenic for Histiocytic medullary reticulosis; Severe combined immunodeficiency due to DCLRE1C deficiency. Review status: criteria provided, single submitter. Criteria: ACMG Guidelines, 2015. Collection method: clinical testing. Allele origin: germline. Not counted in ClinVar's aggregate classification.
Comment: Absent from controls (or at extremely low frequency if recessive) in Genome Aggregation Database.;Null variant in a gene where loss of function (LOF) is a known mechanism of disease.;For recessive disorders, detected in trans with a pathogenic variant.

OMIM
Classification: Pathogenic for SEVERE COMBINED IMMUNODEFICIENCY WITH SENSITIVITY TO IONIZING RADIATION. Last evaluated: 2001-04-20. Review status: no assertion criteria provided. Collection method: literature only. Allele origin: germline. Not counted in ClinVar's aggregate classification.

Literature cited by the submitters: PubMed 21664875 (cited by Labcorp Genetics (formerly Invitae), Labcorp); PubMed 26123418 (cited by Labcorp Genetics (formerly Invitae), Labcorp); PubMed 11336668 (cited by 3 submitters); PubMed 25917813 (cited by Labcorp Genetics (formerly Invitae), Labcorp); PubMed 35503492 (cited by Natera, Inc.); PubMed 12727634 (cited by Women's Health and Genetics/Laboratory Corporation of America, LabCorp).

NM_001033855.3(DCLRE1C):c.241C>T (p.Arg81Ter)

Gene: DCLRE1C (DNA cross-link repair 1C; minus strand). Cytogenetic location: 10p13.
Variant type: single nucleotide variant.
Coding change: c.241C>T on transcript NM_001033855.3 (MANE Select); coding-DNA position 241, C replaced by T.
Protein change: p.Arg81Ter; replaces arginine 81 with a stop codon.
Molecular consequence: nonsense. On other transcripts: 5 prime UTR variant (8), non-coding transcript variant (4), intron variant (1).
Genome position (GRCh38, 1-based): chr10:14,945,110, G>A on the plus strand (C>T on the coding strand, the complement: DCLRE1C is on the minus strand). VCF-style: chr10-14945110-G-A. GRCh37 (hg19) VCF-style: chr10-14987109-G-A.
Other names: R74*; NM_001033855.3(DCLRE1C):c.241C>T; p.Arg81Ter; c.-120C>T (NM_001033857.3, NM_001289077.2, NM_001350967.2); c.-442C>T (NM_001033858.3, NM_001289079.2); c.-49C>T (NM_001289078.2, NM_001350966.2, NM_022487.4); c.241C>T, p.Arg81Ter (NM_001350965.2); c.-44+3926C>T (NM_001289076.2); short protein forms R81*.
Identifiers: ClinVar variation 4665 (VCV000004665.29), dbSNP rs121908156, ClinGen allele CA117001.
Genomic context (GRCh38, chr10:14,945,110, plus strand): 5'-TCTAAAAATACTTCCCACTTAAAAAAAATTAAGTTATTAAAAAAATAAAACTTACAATTC[G>A]TTTCTTCCAAAATCTGTATTTCGGGCTCGTTAACAACAACTCCTTAGTCACAGGTGAACA-3'